The following is an entry in ClinVar:

NM_002317.7(LOX):c.154G>C (p.Gly52Arg)

Genes: LOX (lysyl oxidase; minus strand), SRFBP1 (serum response factor binding protein 1; plus strand). Cytogenetic location: 5q23.1.
Variant type: single nucleotide variant.
Coding change: c.154G>C on transcript NM_002317.7 (MANE Select); coding-DNA position 154, G replaced by C.
Protein change: p.Gly52Arg; replaces glycine 52 with arginine.
Molecular consequence: missense variant.
Genome position (GRCh38, 1-based): chr5:122,077,832, C>G on the plus strand (G>C on the coding strand, the complement: LOX is on the minus strand). VCF-style: chr5-122077832-C-G. GRCh37 (hg19) VCF-style: chr5-121413527-C-G.
Other names: short protein forms G52R.
Identifiers: ClinVar variation 2579623 (VCV002579623.2), dbSNP rs774886810, ClinGen allele CA3384110.
Genomic context (GRCh38, chr5:122,077,832, plus strand): 5'-GGTCCCGGCGGCGCTGAGGCTGGTACTGTGAGCCCAGGCTCAGCAAGCTGAACACCTGCC[C>G]GTTGTTCTCCCATTGGATCTGCTGGCGCCAGGCGCCCGGAGCCGCCGGCGGCTCGCGCGG-3'
Protein context (NP_002308.2, residues 42-62): WRQQIQWENN[Gly52Arg]QVFSLLSLGS

ClinVar aggregate classification (germline): Uncertain significance. Review status: criteria provided, multiple submitters, no conflicts (2 of 4 stars). 2 submissions from 2 submitters: Uncertain significance (2). Last evaluated 2024-06-17.

Conditions:
Aortic aneurysm, familial thoracic 10 (AAT10). Identifiers: MedGen C4284414, MONDO:0014950, OMIM 617168.

Allele frequency attached by ClinVar (database versions not stated): ExAC 0.00005.
gnomAD v4.1: 14 of 1,551,896 alleles (0.0009%); highest among the groups gnomAD compares: Non-Finnish European, 0.0012%; no homozygotes.

Submissions (2):

Pittsburgh Clinical Genomics Laboratory, University of Pittsburgh Medical Center
Classification: Uncertain significance for Aortic aneurysm, familial thoracic 10. Last evaluated: 2024-06-17. Review status: criteria provided, single submitter. Criteria: ACMG Guidelines, 2015. Collection method: clinical testing. Allele origin: germline. Inheritance: Autosomal dominant inheritance. Affected: yes.
Comment: This sequence variant is a single nucleotide substitution (G>C) at position 154 of the coding sequence of the LOX gene that results in a glycine to arginine amino acid change at residue 52 of the lysyl oxidase protein. This is a previously reported variant (ClinVar 2579623) that has not been observed in individuals affected by a LOX-related disorder in the published literature, to our knowledge. This variant is present in 14 of 1551896 alleles (0.0009%) in the gnomAD v4.1.0 population dataset. Multiple bioinformatic tools predict that this glycine to arginine amino acid change would be damaging, and the Gly52 residue at this position is highly conserved across the vertebrate species examined. Studies examining the functional consequence of this variant have not been published, to our knowledge. At this time, there is insufficient evidence to determine if this variant is pathogenic or benign. Therefore, we consider this a variant of uncertain significance. ACMG Criteria: PM2, PP3

GeneDx
Classification: Uncertain significance. Last evaluated: 2023-04-28. Review status: criteria provided, single submitter. Criteria: GeneDx Variant Classification Process June 2021. Collection method: clinical testing. Allele origin: germline. Affected: yes.
Comment: Has not been previously published as pathogenic or benign to our knowledge; Not observed at significant frequency in large population cohorts (gnomAD); In silico analysis supports that this missense variant has a deleterious effect on protein structure/function